The following is an entry in ClinVar:

NM_001283009.2(RTEL1):c.3313G>A (p.Ala1105Thr)

Genes: RTEL1 (regulator of telomere elongation helicase 1; plus strand), RTEL1-TNFRSF6B (RTEL1-TNFRSF6B readthrough (NMD candidate); plus strand). Cytogenetic location: 20q13.33.
Variant type: single nucleotide variant.
Coding change: c.3313G>A on transcript NM_001283009.2 (MANE Select); coding-DNA position 3313, G replaced by A.
Protein change: p.Ala1105Thr; replaces alanine 1105 with threonine.
Molecular consequence: missense variant. On other transcripts: non-coding transcript variant (1).
Genome position (GRCh38, 1-based): chr20:63,694,944, G>A. VCF-style: chr20-63694944-G-A. GRCh37 (hg19) VCF-style: chr20-62326297-G-A.
Other names: c.2644G>A, p.Ala882Thr (NM_001283010.1); c.3313G>A, p.Ala1105Thr (NM_016434.4); c.3385G>A, p.Ala1129Thr (NM_032957.5); short protein forms A1105T, A1129T, A882T.
Identifiers: ClinVar variation 1009832 (VCV001009832.9), dbSNP rs752980702, ClinGen allele CA9965951.
Genomic context (GRCh38, chr20:63,694,944, plus strand): 5'-GCCTATAAGCAAGACGACGACCTCGACAAGGTGCTGGCTGTGTTGGCCGCCCTGACCACT[G>A]CAAAGCCAGAGGACTTCCCCCTGCTGCACAGCAAGTGGCCCTGGCGTGGGGAACAGCCGG-3'
Protein context (NP_001269938.1, residues 1095-1115): VLAVLAALTT[Ala1105Thr]KPEDFPLLHR

ClinVar aggregate classification (germline): Uncertain significance. Review status: criteria provided, multiple submitters, no conflicts (2 of 4 stars). 2 submissions from 2 submitters: Uncertain significance (2). Last evaluated 2025-02-02.

Conditions:
Pulmonary fibrosis and/or bone marrow failure, Telomere-related, 3. Also called: PULMONARY FIBROSIS AND/OR BONE MARROW FAILURE SYNDROME, TELOMERE-RELATED, 3. Identifiers: Orphanet 2032, MedGen C4225346, MONDO:0014613, OMIM 616373.
Dyskeratosis congenita, autosomal recessive 5 (DKCB5). Identifiers: MedGen C3554656, MONDO:0014076, OMIM 615190.
Inborn genetic diseases. Identifiers: MedGen C0950123, MeSH D030342.

Allele frequency attached by ClinVar (database versions not stated): gnomAD exomes below 0.00001; TOPMed below 0.00001; ExAC 0.00001.
gnomAD v4.1: 6 of 1,612,572 alleles (0.00037%); highest among the groups gnomAD compares: Non-Finnish European, 0.00042%; no homozygotes.

Submissions (2):

Ambry Genetics
Classification: Uncertain significance for Inborn genetic diseases. Last evaluated: 2025-02-02. Review status: criteria provided, single submitter. Criteria: Ambry Variant Classification Scheme 2023. Collection method: clinical testing. Allele origin: germline.
Comment: The p.A1105T variant (also known as c.3313G>A), located in coding exon 31 of the RTEL1 gene, results from a G to A substitution at nucleotide position 3313. The alanine at codon 1105 is replaced by threonine, an amino acid with similar properties. This amino acid position is conserved. In addition, this alteration is predicted to be tolerated by in silico analysis. Based on the available evidence, the clinical significance of this variant remains unclear.

Labcorp Genetics (formerly Invitae), Labcorp
Classification: Uncertain significance for Dyskeratosis congenita, autosomal recessive 5; Pulmonary fibrosis and/or bone marrow failure, Telomere-related, 3. Last evaluated: 2024-08-17. Review status: criteria provided, single submitter. Criteria: Invitae Variant Classification Sherloc (09022015). Collection method: clinical testing. Allele origin: germline.
Comment: This sequence change replaces alanine, which is neutral and non-polar, with threonine, which is neutral and polar, at codon 1105 of the RTEL1 protein (p.Ala1105Thr). The frequency data for this variant in the population databases is considered unreliable, as metrics indicate poor data quality at this position in the gnomAD database. This variant has not been reported in the literature in individuals affected with RTEL1-related conditions. ClinVar contains an entry for this variant (Variation ID: 1009832). An algorithm developed to predict the effect of missense changes on protein structure and function (PolyPhen-2) suggests that this variant is likely to be tolerated. In summary, the available evidence is currently insufficient to determine the role of this variant in disease. Therefore, it has been classified as a Variant of Uncertain Significance.